The following is an entry in ClinVar:

ClinVar aggregate classification (germline): Likely benign. Review status: criteria provided, multiple submitters, no conflicts (2 of 4 stars). 4 submissions from 4 submitters: Likely benign (4). Last evaluated 2023-12-24.

Conditions:
Central core myopathy (CMYO1A). Also called: Central core disease; Myopathy, central fibrillar; CONGENITAL MYOPATHY 1A, AUTOSOMAL DOMINANT, WITH SUSCEPTIBILITY TO MALIGNANT HYPERTHERMIA. Identifiers: Orphanet 597, MedGen C5830701, MONDO:0007294, OMIM 117000.
Congenital myopathy with fiber type disproportion. Also called: Congenital fiber-type disproportion; Congenital fiber-type disproportion myopathy. Identifiers: Orphanet 2020, MedGen C0546264, MONDO:0009711. Inheritance: all.
Malignant hyperthermia, susceptibility to, 1 (MHS1). Also called: RYR1-Related Malignant Hyperthermia Susceptibility; Anesthesia related hyperthermia; Malignant hyperpyrexia; Fulminating hyperpyrexia; Pharmacogenic myopathy; Malignant hyperthermia suceptibility 1. Identifiers: Orphanet 423, MedGen C2930980, MONDO:0007783, OMIM 145600.
Congenital multicore myopathy with external ophthalmoplegia (CMYO1B). Also called: MULTIMINICORE DISEASE WITH EXTERNAL OPHTHALMOPLEGIA; Minicore myopathy with external ophthalmoplegia; Congenital myopathy 1B, autosomal recessive; Minicore myopathy; MULTICORE MYOPATHY. Identifiers: Orphanet 598, Orphanet 98905, MedGen C1850674, MONDO:0009712, OMIM 255320, HP:0003789.
King Denborough syndrome (KDS). Identifiers: MedGen C1840365, MONDO:0020485, OMIM 619542.
RYR1-related disorder. Also called: RYR1-related condition; RYR1-related disorders. Identifiers: MedGen CN239331.

Allele frequency attached by ClinVar (database versions not stated): gnomAD exomes below 0.00001 and 0.00001; gnomAD 0.00001; TOPMed 0.00001.
gnomAD v4.1: 11 of 1,613,956 alleles (0.00068%); highest among the groups gnomAD compares: Non-Finnish European, 0.00085%; no homozygotes.

Submissions (4):

Labcorp Genetics (formerly Invitae), Labcorp
Classification: Likely benign for RYR1-related disorder. Last evaluated: 2023-12-24. Review status: criteria provided, single submitter. Criteria: Invitae Variant Classification Sherloc (09022015). Collection method: clinical testing. Allele origin: germline.

CeGaT Center for Human Genetics Tuebingen
Classification: Likely benign. Last evaluated: 2023-12-01. Review status: criteria provided, single submitter. Criteria: CeGaT Center For Human Genetics Tuebingen Variant Classification Criteria Version 2. Collection method: clinical testing. Allele origin: germline. Affected: yes. Observed: 1 variant allele.
Comment: RYR1: BP4, BP7

Color Diagnostics, LLC DBA Color Health
Classification: Likely benign for Malignant hyperthermia, susceptibility to, 1. Last evaluated: 2022-11-06. Review status: criteria provided, single submitter. Criteria: ACMG Guidelines, 2015. Collection method: clinical testing. Allele origin: germline.

Fulgent Genetics
Classification: Likely benign for Central core myopathy; Malignant hyperthermia, susceptibility to, 1; Congenital myopathy 4A, autosomal dominant; Congenital multicore myopathy with external ophthalmoplegia; King Denborough syndrome. Last evaluated: 2021-09-01. Review status: criteria provided, single submitter. Criteria: ACMG Guidelines, 2015. Collection method: clinical testing. Allele origin: unknown.

NM_000540.3(RYR1):c.1518A>G (p.Ala506=)

Genes: RYR1 (ryanodine receptor 1; plus strand), LOC129391106 (MPRA-validated peak3472 silencer; plus strand). Cytogenetic location: 19q13.2.
Variant type: single nucleotide variant.
Coding change: c.1518A>G on transcript NM_000540.3 (MANE Select); coding-DNA position 1518, A replaced by G.
Protein change: p.Ala506=; no amino-acid change (alanine 506 retained).
Molecular consequence: synonymous variant.
Genome position (GRCh38, 1-based): chr19:38,455,312, A>G. VCF-style: chr19-38455312-A-G. GRCh37 (hg19) VCF-style: chr19-38945952-A-G.
Other names: c.1518A>G, p.Ala506= (NM_001042723.2).
Identifiers: ClinVar variation 1089697 (VCV001089697.32), dbSNP rs1488570862, ClinGen allele CA507352626.
Genomic context (GRCh38, chr19:38,455,312, plus strand): 5'-CCTGAATTGCATAGACCGCCTAAATGTCTACACCACTGCTGCCCACTTTGCTGAGTTTGC[A>G]GGGGAGGAGGCAGCCGAGTCCTGGAAAGAGATTGTGAATCTTCTCTATGAACTCCTAGGT-3'
Protein context (NP_000531.2, residues 496-516): YTTAAHFAEF[Ala506=]GEEAAESWKE